The following is an entry in ClinVar:

NM_001267550.2(TTN):c.73244del (p.Gly24415fs)

Genes: TTN-AS1 (TTN antisense RNA 1; plus strand), TTN (titin; minus strand). Cytogenetic location: 2q31.2.
Variant type: Deletion.
Coding change: c.73244del on transcript NM_001267550.2 (MANE Select); coding-DNA position 73244, one base deleted (G; older notation c.73244delG).
Protein change: p.Gly24415fs; shifts the reading frame from glycine 24415.
Molecular consequence: frameshift variant.
Genome position (GRCh38, 1-based): chr2:178,572,888, C deleted on the plus strand (G on the coding strand, the reverse complement: TTN is on the minus strand); the first of 2 consecutive C bases (chr2:178,572,888-178,572,889); deleting either gives the same sequence. VCF-style (leftmost placement, unchanged base first): chr2-178572887-TC-T. GRCh37 (hg19) VCF-style: chr2-179437614-TC-T.
Other names: c.68321del, p.Gly22774fs (NM_001256850.1); c.46049del, p.Gly15350fs (NM_003319.4); c.65540del, p.Gly21847fs (NM_133378.4); c.46424del, p.Gly15475fs (NM_133432.3); c.46625del, p.Gly15542fs (NM_133437.4); short protein forms G22774fs, G24415fs, G15350fs, G15542fs, G15475fs, G21847fs.
Identifiers: ClinVar variation 860296 (VCV000860296.10), dbSNP rs1708759700, ClinGen allele CA916081335.
Genomic context (GRCh38, chr2:178,572,887, plus strand): 5'-GCGCAGGTCAGCATCCAGTTCAATTTCTGGAGGCAGCATTCTGTCTTCAGCCTTTGGAGT[TC>T]CAGGAACAAGGGCAGGTTCCCCAAGTCCTTCGGAATTCATGGCATAGATGCGGATCTTAT-3'

ClinVar aggregate classification (germline): Likely pathogenic (1 of 4 stars; one submission).

Conditions:
Dilated cardiomyopathy 1G (CMD1G). Identifiers: Orphanet 154, MedGen C1858763, MONDO:0011400, OMIM 604145.
Autosomal recessive limb-girdle muscular dystrophy type 2J (LGMDR10). Also called: Limb-girdle muscular dystrophy, type 2J; MUSCULAR DYSTROPHY, LIMB-GIRDLE, AUTOSOMAL RECESSIVE 10. Identifiers: Orphanet 140922, MedGen C1837342, MONDO:0012127, OMIM 608807.

Submission:

Labcorp Genetics (formerly Invitae), Labcorp
Classification: Likely pathogenic for Dilated cardiomyopathy 1G; Autosomal recessive limb-girdle muscular dystrophy type 2J. Last evaluated: 2024-12-10. Review status: criteria provided, single submitter. Criteria: Invitae Variant Classification Sherloc (09022015). Collection method: clinical testing. Allele origin: germline.
Comment: This sequence change creates a premature translational stop signal (p.Gly24415Glufs*26) in the TTN gene. While this is not anticipated to result in nonsense mediated decay, it is expected to create a truncated TTN protein. This variant is not present in population databases (gnomAD no frequency). This variant has not been reported in the literature in individuals affected with TTN-related conditions. ClinVar contains an entry for this variant (Variation ID: 860296). This variant is located in the A band of TTN (PMID: 25589632). Truncating variants in this region are significantly overrepresented in patients affected with dilated cardiomyopathy (PMID: 25589632). Truncating variants in this region have also been reported in individuals affected with autosomal recessive centronuclear myopathy (PMID: 23975875). In summary, the currently available evidence indicates that the variant is pathogenic, but additional data are needed to prove that conclusively. Therefore, this variant has been classified as Likely Pathogenic.

Literature cited by the submitters: PubMed 25589632; PubMed 23975875.